The following is an entry in ClinVar:

NM_000430.4(PAFAH1B1):c.117+5G>C

Gene: PAFAH1B1 (platelet activating factor acetylhydrolase 1b regulatory subunit 1; plus strand). Cytogenetic location: 17p13.3.
Variant type: single nucleotide variant.
Coding change: c.117+5G>C on transcript NM_000430.4 (MANE Select); 5 bases into the intron after coding-DNA position 117, G replaced by C.
Molecular consequence: intron variant.
Genome position (GRCh38, 1-based): chr17:2,665,461, G>C. VCF-style: chr17-2665461-G-C. GRCh37 (hg19) VCF-style: chr17-2568755-G-C.
Identifiers: ClinVar variation 546420 (VCV000546420.2), dbSNP rs1555526248, ClinGen allele CA658823904.

ClinVar aggregate classification (germline): Likely pathogenic (1 of 4 stars; one submission).

Submission:

GeneDx
Classification: Likely pathogenic. Last evaluated: 2018-05-17. Review status: criteria provided, single submitter. Criteria: GeneDx Variant Classification (06012015). Collection method: clinical testing. Allele origin: germline. Affected: yes.
Comment: A variant that is likely pathogenic has been identified in the PAFAH1B1 gene. The c.117+5 G>C variant has not been published as a pathogenic variant, nor has it been reported as a benign variant to our knowledge. The c.117+5 G>C variant is not observed in large population cohorts (Lek et al., 2016). The c.117+5 G>C variant is an intronic +5 splice site variant in a gene for which loss-of-function is a known mechanism of disease, and both in silico predictors and evolutionary conservation support a deleterious effect. Therefore, this variant is likely pathogenic; however, the possibility that it is benign cannot be excluded.